The following is an entry in ClinVar:

NM_000088.4(COL1A1):c.2981G>A (p.Arg994His)

Gene: COL1A1 (collagen type I alpha 1 chain; minus strand). Cytogenetic location: 17q21.33.
Variant type: single nucleotide variant.
Coding change: c.2981G>A on transcript NM_000088.4 (MANE Select); coding-DNA position 2981, G replaced by A.
Protein change: p.Arg994His; replaces arginine 994 with histidine.
Molecular consequence: missense variant.
Genome position (GRCh38, 1-based): chr17:50,188,967, C>T on the plus strand (G>A on the coding strand, the complement: COL1A1 is on the minus strand). VCF-style: chr17-50188967-C-T. GRCh37 (hg19) VCF-style: chr17-48266328-C-T.
Other names: c.2981G>A (NM_000088.3); short protein forms R994H.
Identifiers: ClinVar variation 1044202 (VCV001044202.10), dbSNP rs548928043, ClinGen allele CA8644624.

ClinVar aggregate classification (germline): Uncertain significance. Review status: criteria provided, multiple submitters, no conflicts (2 of 4 stars). 2 submissions from 2 submitters: Uncertain significance (2). Last evaluated 2025-09-16.

Conditions:
Cardiovascular phenotype. Identifiers: MedGen CN230736.
Osteogenesis imperfecta type I (OI1). Also called: Lobstein's Disease; OSTEOGENESIS IMPERFECTA TARDA; OSTEOGENESIS IMPERFECTA WITH BLUE SCLERAE; Lobstein disease; Osteogenesis imperfecta type 1; Classic Non-deforming Osteogenesis Imperfecta with Blue Sclerae. Identifiers: Orphanet 216796, Orphanet 666, MedGen C0023931, MONDO:0008146, OMIM 166200. Disease mechanism: loss of function.

Allele frequency attached by ClinVar (database versions not stated): gnomAD 0.00001; ExAC 0.00002; gnomAD exomes 0.00002; TOPMed 0.00002; 1000 Genomes Project 30x 0.00016; 1000 Genomes Project 0.00020.
gnomAD v4.1: 39 of 1,610,722 alleles (0.0024%); highest among the groups gnomAD compares: Admixed American, 0.01%; no homozygotes.

Submissions (2):

Ambry Genetics
Classification: Uncertain significance for Cardiovascular phenotype. Last evaluated: 2025-09-16. Review status: criteria provided, single submitter. Criteria: Ambry Variant Classification Scheme 2023. Collection method: clinical testing. Allele origin: germline.
Comment: The p.R994H variant (also known as c.2981G>A), located in coding exon 41 of the COL1A1 gene, results from a G to A substitution at nucleotide position 2981. The arginine at codon 994 is replaced by histidine, an amino acid with highly similar properties. This amino acid position is highly conserved in available vertebrate species. In addition, this alteration is predicted to be deleterious by in silico analysis. Based on the available evidence, the clinical significance of this variant remains unclear.

Labcorp Genetics (formerly Invitae), Labcorp
Classification: Uncertain significance for Osteogenesis imperfecta type I. Last evaluated: 2024-01-25. Review status: criteria provided, single submitter. Criteria: Invitae Variant Classification Sherloc (09022015). Collection method: clinical testing. Allele origin: germline.
Comment: This sequence change replaces arginine, which is basic and polar, with histidine, which is basic and polar, at codon 994 of the COL1A1 protein (p.Arg994His). This variant is present in population databases (rs548928043, gnomAD 0.01%). This variant has not been reported in the literature in individuals affected with COL1A1-related conditions. ClinVar contains an entry for this variant (Variation ID: 1044202). Advanced modeling of protein sequence and biophysical properties (such as structural, functional, and spatial information, amino acid conservation, physicochemical variation, residue mobility, and thermodynamic stability) performed at Invitae indicates that this missense variant is expected to disrupt COL1A1 protein function with a positive predictive value of 95%. In summary, the available evidence is currently insufficient to determine the role of this variant in disease. Therefore, it has been classified as a Variant of Uncertain Significance.